The following is an entry in ClinVar:

ClinVar aggregate classification (germline): Uncertain significance (0 of 4 stars; one submission).

Conditions:
NCOA1-related disorder. Also called: NCOA1-related condition.

gnomAD v4.1: 9 of 1,614,062 alleles (0.00056%); highest among the groups gnomAD compares: Admixed American, 0.015%; no homozygotes.

Submission:

PreventionGenetics, part of Exact Sciences
Classification: Uncertain significance for NCOA1-related condition. Last evaluated: 2024-07-05. Review status: no assertion criteria provided. Collection method: clinical testing. Allele origin: germline.
Comment: The NCOA1 c.2296C>G variant is predicted to result in the amino acid substitution p.Leu766Val. To our knowledge, this variant has not been reported in the literature. This variant is reported in 0.017% of alleles in individuals of Latino descent in gnomAD. At this time, the clinical significance of this variant is uncertain due to the absence of conclusive functional and genetic evidence.

NM_003743.5(NCOA1):c.2296C>G (p.Leu766Val)

Gene: NCOA1 (nuclear receptor coactivator 1; plus strand). Cytogenetic location: 2p23.3.
Variant type: single nucleotide variant.
Coding change: c.2296C>G on transcript NM_003743.5 (MANE Select); coding-DNA position 2296, C replaced by G.
Protein change: p.Leu766Val; replaces leucine 766 with valine.
Molecular consequence: missense variant.
Genome position (GRCh38, 1-based): chr2:24,707,766, C>G. VCF-style: chr2-24707766-C-G. GRCh37 (hg19) VCF-style: chr2-24930635-C-G.
Other names: c.2296C>G, p.Leu766Val (NM_001362950.1, NM_001362952.1, NM_001362954.1 and 3 more transcripts); short protein forms L766V.
Identifiers: ClinVar variation 3358201 (VCV003358201.1).